The following is an entry in ClinVar:

NM_001130965.3(SUN1):c.589G>A (p.Val197Met)

Gene: SUN1 (Sad1 and UNC84 domain containing 1; plus strand). Cytogenetic location: 7p22.3.
Variant type: single nucleotide variant.
Coding change: c.589G>A on transcript NM_001130965.3 (MANE Select); coding-DNA position 589, G replaced by A.
Protein change: p.Val197Met; replaces valine 197 with methionine.
Molecular consequence: missense variant. On other transcripts: synonymous variant (1), 5 prime UTR variant (1), non-coding transcript variant (3), intron variant (1).
Genome position (GRCh38, 1-based): chr7:843,451, G>A. VCF-style: chr7-843451-G-A. GRCh37 (hg19) VCF-style: chr7-883088-G-A.
Other names: c.589G>A, p.Val197Met (NM_001367685.1, NM_001367690.1, NM_001367694.1 and 32 more transcripts); c.439G>A, p.Val147Met (NM_001367691.1, NM_001367686.1, NM_001367689.1 and 23 more transcripts); c.652G>A, p.Val218Met (NM_001171945.2); c.132G>A, p.Thr44= (NM_001367635.1); c.22G>A, p.Val8Met (NM_001367639.1, NM_001367708.1); c.808G>A, p.Val270Met (NM_001367651.1); c.-173G>A (NM_001367658.1); c.616G>A, p.Val206Met (NM_001367669.1); and 2 more; short protein forms V197M, V218M, V270M, V134M, V147M, V206M, V8M.
Identifiers: ClinVar variation 530836 (VCV000530836.14), dbSNP rs116520953, ClinGen allele CA4111604.

ClinVar aggregate classification (germline): Benign. Review status: criteria provided, single submitter (1 of 4 stars). 2 submissions from 2 submitters: Benign (1). 1 of the submissions does not count toward it. Last evaluated 2026-01-19.

Conditions:
Emery-Dreifuss muscular dystrophy (EDMD). Also called: Scapuloperoneal syndrome, X-linked (formerly); Humeroperoneal neuromuscular disease, (formerly). Identifiers: Orphanet 261, MedGen C0410189, MONDO:0016830.
SUN1-related disorder. Also called: SUN1-related condition.

Allele frequency attached by ClinVar (database versions not stated): 1000 Genomes Project 30x 0.00578; gnomAD 0.00587 and 0.00634; 1000 Genomes Project 0.00639; ESP Exome Variant Server 0.00674; TOPMed 0.00690.

Submissions (2):

Labcorp Genetics (formerly Invitae), Labcorp
Classification: Benign for Emery-Dreifuss muscular dystrophy. Last evaluated: 2026-01-19. Review status: criteria provided, single submitter. Criteria: Invitae Variant Classification Sherloc (09022015). Collection method: clinical testing. Allele origin: germline.

PreventionGenetics, part of Exact Sciences
Classification: Benign for SUN1-related condition. Last evaluated: 2019-02-20. Review status: no assertion criteria provided. Collection method: clinical testing. Allele origin: germline. Not counted in ClinVar's aggregate classification.
Comment: This variant is classified as benign based on ACMG/AMP sequence variant interpretation guidelines (Richards et al. 2015 PMID: 25741868, with internal and published modifications).